The following is an entry in ClinVar:

ClinVar aggregate classification (germline): Pathogenic/Likely pathogenic. Review status: criteria provided, multiple submitters, no conflicts (2 of 4 stars). 2 submissions from 2 submitters: Pathogenic (1); Likely pathogenic (1). Last evaluated 2024-02-24.

Conditions:
Peroxisome biogenesis disorder 3A (Zellweger). Also called: Peroxisome biogenesis disorder 3A; PEROXISOMAL BIOGENESIS DISORDER 3A (ZELLWEGER). Identifiers: Orphanet 912, MedGen C3553929, MONDO:0013927, OMIM 614859.
Peroxisome biogenesis disorder type 3B. Identifiers: Orphanet 44, Orphanet 772, MedGen C3550693, MONDO:0009959, OMIM 266510.

gnomAD v4.1: 2 of 1,614,122 alleles (0.00012%); highest among the groups gnomAD compares: Admixed American, 0.0017%; no homozygotes.

Submissions (2):

Labcorp Genetics (formerly Invitae), Labcorp
Classification: Pathogenic for Peroxisome biogenesis disorder 3A (Zellweger). Last evaluated: 2024-02-24. Review status: criteria provided, single submitter. Criteria: Invitae Variant Classification Sherloc (09022015). Collection method: clinical testing. Allele origin: germline.
Comment: This sequence change creates a premature translational stop signal (p.Trp173*) in the PEX12 gene. It is expected to result in an absent or disrupted protein product. Loss-of-function variants in PEX12 are known to be pathogenic (PMID: 9090384, 9632816, 21031596). This variant is present in population databases (no rsID available, gnomAD 0.003%). This variant has not been reported in the literature in individuals affected with PEX12-related conditions. ClinVar contains an entry for this variant (Variation ID: 1394011). For these reasons, this variant has been classified as Pathogenic.

Fulgent Genetics
Classification: Likely pathogenic for Peroxisome biogenesis disorder type 3B; Peroxisome biogenesis disorder 3A (Zellweger). Last evaluated: 2024-01-29. Review status: criteria provided, single submitter. Criteria: ACMG Guidelines, 2015. Collection method: clinical testing. Allele origin: germline.

Literature cited by the submitters: PubMed 9090384 (cited by Labcorp Genetics (formerly Invitae), Labcorp); PubMed 9632816 (cited by Labcorp Genetics (formerly Invitae), Labcorp); PubMed 21031596 (cited by Labcorp Genetics (formerly Invitae), Labcorp).

NM_000286.3(PEX12):c.518G>A (p.Trp173Ter)

Gene: PEX12 (peroxisomal biogenesis factor 12; minus strand). Cytogenetic location: 17q12.
Variant type: single nucleotide variant.
Coding change: c.518G>A on transcript NM_000286.3 (MANE Select); coding-DNA position 518, G replaced by A.
Protein change: p.Trp173Ter; replaces tryptophan 173 with a stop codon.
Molecular consequence: nonsense.
Genome position (GRCh38, 1-based): chr17:35,577,200, C>T on the plus strand (G>A on the coding strand, the complement: PEX12 is on the minus strand). VCF-style: chr17-35577200-C-T. GRCh37 (hg19) VCF-style: chr17-33904219-C-T.
Other names: short protein forms W173*.
Identifiers: ClinVar variation 1394011 (VCV001394011.7), dbSNP rs923109489, ClinGen allele CA399137956.
Genomic context (GRCh38, chr17:35,577,200, plus strand): 5'-AGCAGTGGTGAGTGATGCTGAGCTTTTCCTAGGATGTATCGAAGTTGTTGTACAAGAAAC[C>T]ATCCTTCCCAGGCCATGTTCACAAATGGGTAGGCTGCCAGGAAAGCTCTGTAAAATCGTT-3'